The following is an entry in ClinVar:

NM_000124.4(ERCC6):c.242A>C (p.Gln81Pro)

Gene: ERCC6 (ERCC excision repair 6, chromatin remodeling factor; minus strand). Cytogenetic location: 10q11.23.
Variant type: single nucleotide variant.
Coding change: c.242A>C on transcript NM_000124.4 (MANE Select); coding-DNA position 242, A replaced by C.
Protein change: p.Gln81Pro; replaces glutamine 81 with proline.
Molecular consequence: missense variant.
Genome position (GRCh38, 1-based): chr10:49,532,723, T>G on the plus strand (A>C on the coding strand, the complement: ERCC6 is on the minus strand). VCF-style: chr10-49532723-T-G. GRCh37 (hg19) VCF-style: chr10-50740769-T-G.
Other names: c.242A>C, p.Gln81Pro (NM_001277058.2, NM_001277059.2, NM_001346440.2); short protein forms Q81P.
Identifiers: ClinVar variation 5002947 (VCV005002947.1).

ClinVar aggregate classification (germline): Uncertain significance (1 of 4 stars; one submission).

Conditions:
Age related macular degeneration 5. Identifiers: MedGen C3151063, MONDO:0013409, OMIM 613761.

Submission:

OLLIN Analises Genomicas, OLLIN
Classification: Uncertain significance for Age related macular degeneration 5. Last evaluated: 2026-08-06. Review status: criteria provided, single submitter. Criteria: ACMG Guidelines 2015 PMID 25741868. Collection method: clinical testing. Allele origin: germline.
Comment: This missense variant, located in exon 2 (of 21), is absent from gnomAD and ClinVar and has not been identified in the literature. In silico analysis predicts that this variant has a tolerated effect. According to the currently available evidence, this variant has been classified as uncertain significance (PM2_P, BP4_M).